The following is an entry in ClinVar:

NM_000156.6(GAMT):c.134G>A (p.Trp45Ter)

Genes: GAMT (guanidinoacetate N-methyltransferase; minus strand), LOC130062945 (ATAC-STARR-seq lymphoblastoid silent region 9707; plus strand). Cytogenetic location: 19p13.3.
Variant type: single nucleotide variant.
Coding change: c.134G>A on transcript NM_000156.6 (MANE Select); coding-DNA position 134, G replaced by A.
Protein change: p.Trp45Ter; replaces tryptophan 45 with a stop codon.
Molecular consequence: nonsense.
Genome position (GRCh38, 1-based): chr19:1,401,343, C>T on the plus strand (G>A on the coding strand, the complement: GAMT is on the minus strand). VCF-style: chr19-1401343-C-T. GRCh37 (hg19) VCF-style: chr19-1401342-C-T.
Other names: NM_000156.6(GAMT):c.134G>A; p.Trp45Ter; c.134G>A, p.Trp45Ter (NM_138924.3); c.134G>A (NM_000156.5); short protein forms W45*.
Identifiers: ClinVar variation 2419155 (VCV002419155.16), dbSNP rs865951519, ClinGen allele CA402998096.

ClinVar aggregate classification (germline): Pathogenic. Review status: reviewed by expert panel (3 of 4 stars). 5 submissions from 5 submitters: Pathogenic (1). 4 of the submissions do not count toward it. Last evaluated 2023-10-12.

Conditions:
GAMT-related disorder. Also called: GAMT-related condition.
Cerebral creatine deficiency syndrome. Also called: Creatine deficiency syndromes. Identifiers: Orphanet 79172, MedGen C5244016, MONDO:0000456.
Deficiency of guanidinoacetate methyltransferase (CCDS2). Also called: CEREBRAL CREATINE DEFICIENCY SYNDROME 2; Guanidinoacetate Methyltransferase (GAMT) Deficiency; GAMT DEFICIENCY. Identifiers: Orphanet 382, MedGen C0574080, MONDO:0012999, OMIM 612736.

gnomAD v4.1: 2 of 1,538,388 alleles (0.00013%); highest among the groups gnomAD compares: Non-Finnish European, 0.000087%; no homozygotes.

Submissions (5):

ClinGen Cerebral Creatine Deficiency Syndromes Variant Curation Expert Panel, ClinGen
Classification: Pathogenic for Deficiency of guanidinoacetate methyltransferase. Last evaluated: 2023-10-12. Review status: reviewed by expert panel. Criteria: ClinGen_CCDS_ACMG_Specifications_GAMT_v1.1. Collection method: curation. Allele origin: germline. Inheritance: Autosomal recessive inheritance.
Comment: The NM_000156.6:c.134G>A (p.Trp45Ter) variant in GAMT is a nonsense variant predicted to cause a premature stop codon in biologically relevant exon 1/6 leading to nonsense mediated decay in a gene in which loss-of-function is an established disease mechanism (PVS1). This variant has been detected in at least two probands with GAMT deficiency. Of those probands, both were homozygous for the variant (PMIDs 31222513, 33996490) (PM3). At least one proband (two siblings) with this variant had elevated GAA and low creatine in plasma (PP4). This variant is absent in gnomAD v2.1.1 (PM2_Supporting). There is a ClinVar entry for this variant (Variation ID: 2419155). In summary, this variant meets the criteria to be classified as pathogenic for GAMT deficiency based on the ACMG/AMP criteria applied, as specified by the ClinGen Cerebral Creatine Deficiency Syndromes Variant Curation Expert Panel (Specifications Version 1.1.0): PVS1, PM3, PP4, PM2_Supporting. (Classification approved by the ClinGen CCDS VCEP on Oct 12, 2023)

Labcorp Genetics (formerly Invitae), Labcorp
Classification: Pathogenic for Cerebral creatine deficiency syndrome. Last evaluated: 2023-07-06. Review status: criteria provided, single submitter. Criteria: Invitae Variant Classification Sherloc (09022015). Collection method: clinical testing. Allele origin: germline. Not counted in ClinVar's aggregate classification.
Comment: This premature translational stop signal has been observed in individual(s) with primary creatine deficiency syndrome (PMID: 31222513). For these reasons, this variant has been classified as Pathogenic. ClinVar contains an entry for this variant (Variation ID: 2419155). This variant is not present in population databases (gnomAD no frequency). This sequence change creates a premature translational stop signal (p.Trp45*) in the GAMT gene. It is expected to result in an absent or disrupted protein product. Loss-of-function variants in GAMT are known to be pathogenic (PMID: 15108290).

Blueprint Genetics
Classification: Pathogenic for GAMT-related disorders. Last evaluated: 2021-03-04. Review status: criteria provided, single submitter. Criteria: ACMG Guidelines, 2015. Collection method: clinical testing. Allele origin: germline. Affected: yes. Observed: 1 variant allele. Not counted in ClinVar's aggregate classification.

Juno Genomics, Hangzhou Juno Genomics, Inc
Classification: Pathogenic for Deficiency of guanidinoacetate methyltransferase. Review status: criteria provided, single submitter. Criteria: ACMG Guidelines, 2015. Collection method: clinical testing. Allele origin: germline. Not counted in ClinVar's aggregate classification.
Comment: Absent from controls (or at extremely low frequency if recessive) in Genome Aggregation Database.;Null variant in a gene where loss of function (LOF) is a known mechanism of disease.;For recessive disorders, detected in trans with a pathogenic variant.;Patient's phenotype or family history is highly specific for a disease with a single genetic etiology.

PreventionGenetics, part of Exact Sciences
Classification: Pathogenic for GAMT-related condition. Last evaluated: 2023-11-01. Review status: no assertion criteria provided. Collection method: clinical testing. Allele origin: germline. Not counted in ClinVar's aggregate classification.
Comment: The GAMT c.134G>A variant is predicted to result in premature protein termination (p.Trp45*). This variant has been reported in the homozygous or compound heterozygous state in multiple individuals, including two affected siblings, with guanidinoacetate methyltransferase deficiency (Rostami et al. 2019. PubMed ID: 31222513; Modi et al. 2021. PubMed ID: 33996490; Shen et al. 2022. PubMed ID: 35588794). This variant has not been reported in a large population database, indicating this variant is rare. Nonsense variants in GAMT are expected to be pathogenic. This variant is interpreted as pathogenic.

Literature cited by the submitters: PubMed 31222513 (cited by Labcorp Genetics (formerly Invitae), Labcorp); PubMed 15108290 (cited by Labcorp Genetics (formerly Invitae), Labcorp).